The following is an entry in ClinVar:

NM_000535.7(PMS2):c.2007-16C>T

Gene: PMS2 (PMS1 homolog 2, mismatch repair system component; minus strand). Cytogenetic location: 7p22.1.
Variant type: single nucleotide variant.
Coding change: c.2007-16C>T on transcript NM_000535.7 (MANE Select); 16 bases into the intron before coding-DNA position 2007, C replaced by T.
Molecular consequence: intron variant.
Genome position (GRCh38, 1-based): chr7:5,983,007, G>A on the plus strand (C>T on the coding strand, the complement: PMS2 is on the minus strand). VCF-style: chr7-5983007-G-A. GRCh37 (hg19) VCF-style: chr7-6022638-G-A.
Other names: c.1602-16C>T (NM_001322004.2, NM_001322003.2, NM_001322009.2 and 1 more transcripts); c.1434-16C>T (NM_001322013.2); c.1074-16C>T (NM_001322012.2, NM_001322011.2); c.1698-16C>T (NM_001322015.2); c.1689-16C>T (NM_001322007.2, NM_001322008.2); c.1851-16C>T (NM_001322006.2); c.2007-16C>T (NM_001322014.2); c.1446-16C>T (NM_001322010.2).
Identifiers: ClinVar variation 138702 (VCV000138702.10), dbSNP rs587781111, ClinGen allele CA010676.

ClinVar aggregate classification (germline): Benign/Likely benign. Review status: criteria provided, multiple submitters, no conflicts (2 of 4 stars). 4 submissions from 4 submitters: Benign (1); Likely benign (3). Last evaluated 2025-05-26.

Conditions:
Hereditary nonpolyposis colorectal neoplasms. Identifiers: MedGen C0009405, MeSH D003123.
Lynch syndrome 4 (LYNCH4). Also called: Colorectal cancer, hereditary nonpolyposis, type 4; Hereditary non-polyposis colorectal cancer, type 4. Identifiers: Orphanet 144, MedGen C1838333, MONDO:0013699, OMIM 614337. Disease mechanism: loss of function.

Allele frequency attached by ClinVar (database versions not stated): gnomAD exomes 0.00001.
gnomAD v4.1: 9 of 1,440,870 alleles (0.00062%); highest among the groups gnomAD compares: Non-Finnish European, 0.00086%; no homozygotes.

Submissions (4):

Labcorp Genetics (formerly Invitae), Labcorp
Classification: Likely benign for Hereditary nonpolyposis colorectal neoplasms. Last evaluated: 2025-05-26. Review status: criteria provided, single submitter. Criteria: Invitae Variant Classification Sherloc (09022015). Collection method: clinical testing. Allele origin: germline.

Myriad Genetics, Inc.
Classification: Likely benign for Lynch syndrome 4. Last evaluated: 2025-02-03. Review status: criteria provided, single submitter. Criteria: Myriad Autosomal Dominant, Autosomal Recessive and X-Linked Classification Criteria (2023). Collection method: clinical testing. Allele origin: unknown.
Comment: This variant is considered likely benign. This variant is intronic and is not expected to impact mRNA splicing.

Blueprint Genetics
Classification: Likely benign. Last evaluated: 2024-07-05. Review status: criteria provided, single submitter. Criteria: ACMG Guidelines, 2015. Collection method: clinical testing. Allele origin: germline.

GeneDx
Classification: Benign. Last evaluated: 2014-04-28. Review status: criteria provided, single submitter. Criteria: GeneDx Variant Classification (06012015). Collection method: clinical testing. Allele origin: germline. Affected: yes.
Comment: This variant is considered likely benign or benign based on one or more of the following criteria: it is a conservative change, it occurs at a poorly conserved position in the protein, it is predicted to be benign by multiple in silico algorithms, and/or has population frequency not consistent with disease.